The following is an entry in ClinVar:

NM_001114753.3(ENG):c.523G>T (p.Ala175Ser)

Gene: ENG (endoglin; minus strand). Cytogenetic location: 9q34.11.
Variant type: single nucleotide variant.
Coding change: c.523G>T on transcript NM_001114753.3 (MANE Select); coding-DNA position 523, G replaced by T.
Protein change: p.Ala175Ser; replaces alanine 175 with serine.
Molecular consequence: missense variant. On other transcripts: 5 prime UTR variant (1).
Genome position (GRCh38, 1-based): chr9:127,826,510, C>A on the plus strand (G>T on the coding strand, the complement: ENG is on the minus strand). VCF-style: chr9-127826510-C-A. GRCh37 (hg19) VCF-style: chr9-130588789-C-A.
Other names: p.Ala175Ser; c.523G>T (NM_000118.2); c.523G>T, p.Ala175Ser (NM_001406715.1, NM_000118.4); c.-24G>T (NM_001278138.2); short protein forms A175S.
Identifiers: ClinVar variation 641795 (VCV000641795.18), dbSNP rs1588583488, ClinGen allele CA374984091.
Genomic context (GRCh38, chr9:127,826,510, plus strand): 5'-GGAGCTCAGATTCCTCCTGAGCAGTATCATGAGCCCAGAGAGGTTGCTGGGGAAACTGAC[C>A]TTGGCCCAGTCGGAGGAGGATGCTCTGGGGGTCATTCAGCTCAGCAGCAGAGGTGATGGG-3'
Protein context (NP_001108225.1, residues 165-185): PQSILLRLGQ[Ala175Ser]QGSLSFCMLE

ClinVar aggregate classification (germline): Pathogenic/Likely pathogenic. Review status: criteria provided, multiple submitters, no conflicts (2 of 4 stars). 5 submissions from 5 submitters: Pathogenic (2); Likely pathogenic (3). Last evaluated 2025-12-08.

Conditions:
Hereditary hemorrhagic telangiectasia (HHT). Also called: ORW DISEASE; Osler Weber Rendu syndrome; OSLER-RENDU-WEBER DISEASE; Osler hemorrhagic telangiectasia syndrome. Identifiers: Orphanet 774, MedGen C0039445, MONDO:0019180. Disease mechanism: loss of function.
Telangiectasia, hereditary hemorrhagic, type 1 (HHT1). Also called: Osler Weber Rendu syndrome type 1; ENG-Related Hereditary Hemorrhagic Telangiectasia. Identifiers: Orphanet 774, MedGen C4551861, MONDO:0008535, OMIM 187300. Disease mechanism: loss of function.

Submissions (5):

Labcorp Genetics (formerly Invitae), Labcorp
Classification: Pathogenic for Hereditary hemorrhagic telangiectasia. Last evaluated: 2025-12-08. Review status: criteria provided, single submitter. Criteria: Invitae Variant Classification Sherloc (09022015). Collection method: clinical testing. Allele origin: germline.
Comment: This sequence change affects codon 175 of the ENG mRNA. It is a 'silent' change, meaning that it does not change the encoded amino acid sequence of the ENG protein. This variant also falls at the last nucleotide of exon 4, which is part of the consensus splice site for this exon. This variant is not present in population databases (gnomAD no frequency). This variant has been observed in individual(s) with hereditary hemorrhagic telangiectasia (PMID: 32573726; internal data). In at least one individual the variant was observed to be de novo. ClinVar contains an entry for this variant (Variation ID: 641795). An algorithm developed to predict the effect of missense changes on protein structure and function (PolyPhen-2) suggests that this variant is likely to be disruptive. Variants that disrupt the consensus splice site are a relatively common cause of aberrant splicing (PMID: 17576681, 9536098). Algorithms developed to predict the effect of sequence changes on RNA splicing suggest that this variant may disrupt the consensus splice site. For these reasons, this variant has been classified as Pathogenic.

GeneDx
Classification: Likely pathogenic. Last evaluated: 2024-11-11. Review status: criteria provided, single submitter. Criteria: GeneDx Variant Classification Process June 2021. Collection method: clinical testing. Allele origin: germline.
Comment: Identified in patients with HHT in published literature (PMID: 32573726, 29171923); including one observed apparently de novo; Not observed at significant frequency in large population cohorts (gnomAD); Alters the last nucleotide of the exon and has been shown to result in abberant splicing through skipping of exon 4 (PMID: 29171923); Also known as p.(N121Pfs*47); This variant is associated with the following publications: (PMID: 29171923, 32573726)

Mayo Clinic Laboratories, Mayo Clinic
Classification: Pathogenic. Last evaluated: 2023-11-16. Review status: criteria provided, single submitter. Criteria: ACMG Guidelines, 2015. Collection method: clinical testing. Allele origin: germline. Observed: 1 variant allele.
Comment: PP4, PM2, PM5, PM6, PVS1_strong

ARUP Laboratories, Molecular Genetics and Genomics, ARUP Laboratories
Classification: Likely pathogenic for Telangiectasia, hereditary hemorrhagic, type 1. Last evaluated: 2019-03-27. Review status: criteria provided, single submitter. Criteria: ARUP Molecular Germline Variant Investigation Process. Collection method: clinical testing. Allele origin: germline.
Comment: The ENG c.523G>T; p.Ala175Ser variant is reported in the literature in an individual with HHT (Saliou 2017). This variant is absent from general population databases (Exome Variant Server, Genome Aggregation Database), indicating it is not a common polymorphism. It is located in the last nucleotide of exon 4 and computational analyses (Alamut v.2.11) predict that this variant impacts splicing by significantly weakening the nearby canonical donor splice site. This variant, along with two other variants at this nucleotide (c.523G>C; c.523G>A) are reported in individuals with HHT, and functional analyses of the variant proteins show skipping of exon 4 leading to no detectable protein (Bossler 2006, Cymerman 2003, Saliou 2017). Based on available information, the c.523G>T; p.Ala175Ser variant is considered to be likely pathogenic. REFERENCES Bossler AD et al. Novel mutations in ENG and ACVRL1 identified in a series of 200 individuals undergoing clinical genetic testing for hereditary hemorrhagic telangiectasia (HHT): correlation of genotype with phenotype. Hum Mutat. 2006 Jul;27(7):667-75. Cymerman U et al. Characterization of 17 novel endoglin mutations associated with hereditary hemorrhagic telangiectasia. Hum Mutat. 2003 May;21(5):482-92. Saliou G et al. Clinical and genetic findings in children with central nervous system arteriovenous fistulas. Ann Neurol. 2017 Dec;82(6):972-980.

NIHR Bioresource Rare Diseases, University of Cambridge
Classification: Likely pathogenic for Telangiectasia, hereditary hemorrhagic, type 1. Last evaluated: 2018-01-01. Review status: criteria provided, single submitter. Criteria: ACMG Guidelines, 2015. Collection method: research. Allele origin: unknown. Affected: yes. Observed: 1 variant allele.
Comment: PM2+PP3+PP4

Literature cited by the submitters: PubMed 32573726 (cited by 3 submitters); PubMed 17576681 (cited by Labcorp Genetics (formerly Invitae), Labcorp); PubMed 9536098 (cited by Labcorp Genetics (formerly Invitae), Labcorp); PubMed 29171923 (cited by Mayo Clinic Laboratories, Mayo Clinic).